The following is an entry in ClinVar:

ClinVar aggregate classification (germline): Uncertain significance (1 of 4 stars; one submission).

Conditions:
Structural heart defects and renal anomalies syndrome (SHDRA). Identifiers: Orphanet 689822, MedGen C4479549, MONDO:0044321, OMIM 617478.

gnomAD v4.1: 65 of 1,505,032 alleles (0.0043%); highest among the groups gnomAD compares: Non-Finnish European, 0.0051%; no homozygotes.

Submission:

3billion
Classification: Uncertain significance for Structural heart defects and renal anomalies syndrome. Last evaluated: 2023-08-08. Review status: criteria provided, single submitter. Criteria: ACMG Guidelines, 2015. Collection method: clinical testing. Allele origin: germline. Affected: yes.
Comment: The variant is observed at an extremely low frequency in the gnomAD v2.1.1 dataset (total allele frequency: 0.006%). Predicted Consequence/Location: Intron variant In silico tools predict the variant to alter splicing and produce an abnormal transcript [SpliceAI: 0.27 (>=0.2, moderate evidence for spliceogenicity)]. Therefore, this variant is classified as VUS according to the recommendation of ACMG/AMP guideline.

NM_017799.4(TMEM260):c.942-10T>C

Gene: TMEM260 (transmembrane protein 260; plus strand). Cytogenetic location: 14q22.3.
Variant type: single nucleotide variant.
Coding change: c.942-10T>C on transcript NM_017799.4 (MANE Select); 10 bases into the intron before coding-DNA position 942, T replaced by C.
Molecular consequence: intron variant.
Genome position (GRCh38, 1-based): chr14:56,617,173, T>C. VCF-style: chr14-56617173-T-C. GRCh37 (hg19) VCF-style: chr14-57083891-T-C.
Identifiers: ClinVar variation 3775514 (VCV003775514.1).